The following is an entry in ClinVar:

NM_019066.5(MAGEL2):c.1942C>T (p.Pro648Ser)

Gene: MAGEL2 (MAGE family member L2; minus strand). Cytogenetic location: 15q11.2.
Variant type: single nucleotide variant.
Coding change: c.1942C>T on transcript NM_019066.5 (MANE Select); coding-DNA position 1942, C replaced by T.
Protein change: p.Pro648Ser; replaces proline 648 with serine.
Molecular consequence: missense variant.
Genome position (GRCh38, 1-based): chr15:23,645,801, G>A on the plus strand (C>T on the coding strand, the complement: MAGEL2 is on the minus strand). VCF-style: chr15-23645801-G-A. GRCh37 (hg19) VCF-style: chr15-23890948-G-A.
Other names: short protein forms P648S.
Identifiers: ClinVar variation 1218041 (VCV001218041.6), dbSNP rs866333931, ClinGen allele CA391332999.

ClinVar aggregate classification (germline): Conflicting classifications of pathogenicity. Review status: criteria provided, conflicting classifications (1 of 4 stars). 3 submissions from 3 submitters: Uncertain significance (2); Likely benign (1). Last evaluated 2025-04-27.

Conditions:
Inborn genetic diseases. Identifiers: MedGen C0950123, MeSH D030342.

Allele frequency attached by ClinVar (database versions not stated): gnomAD 0.00001 and 0.00002; gnomAD exomes 0.00001; 1000 Genomes Project 30x 0.00031.
gnomAD v4.1: 9 of 1,590,070 alleles (0.00057%); highest among the groups gnomAD compares: Admixed American, 0.0089%; no homozygotes.

Submissions (3):

Ambry Genetics
Classification: Uncertain significance for Inborn genetic diseases. Last evaluated: 2025-04-27. Review status: criteria provided, single submitter. Criteria: Ambry Variant Classification Scheme 2023. Collection method: clinical testing. Allele origin: germline.

Labcorp Genetics (formerly Invitae), Labcorp
Classification: Uncertain significance. Last evaluated: 2024-09-17. Review status: criteria provided, single submitter. Criteria: Invitae Variant Classification Sherloc (09022015). Collection method: clinical testing. Allele origin: germline.
Comment: This sequence change replaces proline, which is neutral and non-polar, with serine, which is neutral and polar, at codon 648 of the MAGEL2 protein (p.Pro648Ser). The frequency data for this variant in the population databases is considered unreliable, as metrics indicate poor data quality at this position in the gnomAD database. This variant has not been reported in the literature in individuals affected with MAGEL2-related conditions. ClinVar contains an entry for this variant (Variation ID: 1218041). Invitae Evidence Modeling of protein sequence and biophysical properties (such as structural, functional, and spatial information, amino acid conservation, physicochemical variation, residue mobility, and thermodynamic stability) has been performed for this missense variant. However, the output from this modeling did not meet the statistical confidence thresholds required to predict the impact of this variant on MAGEL2 protein function. In summary, the available evidence is currently insufficient to determine the role of this variant in disease. Therefore, it has been classified as a Variant of Uncertain Significance.

GeneDx
Classification: Likely benign. Last evaluated: 2019-07-10. Review status: criteria provided, single submitter. Criteria: GeneDx Variant Classification Process June 2021. Collection method: clinical testing. Allele origin: germline. Affected: yes.
Comment: Has not been previously published as pathogenic or benign to our knowledge; In silico analysis, which includes protein predictors and evolutionary conservation, supports that this variant does not alter protein structure/function